The following is an entry in ClinVar:

ClinVar aggregate classification (germline): Uncertain significance. Review status: criteria provided, multiple submitters, no conflicts (2 of 4 stars). 2 submissions from 2 submitters: Uncertain significance (2). Last evaluated 2025-08-24.

Conditions:
Inborn genetic diseases. Identifiers: MedGen C0950123, MeSH D030342.

Allele frequency attached by ClinVar (database versions not stated): gnomAD 0.00001; gnomAD exomes 0.00001; TOPMed 0.00001; ExAC 0.00002.
gnomAD v4.1: 22 of 1,612,476 alleles (0.0014%); highest among the groups gnomAD compares: Admixed American, 0.0033%; no homozygotes.

Submissions (2):

Ambry Genetics
Classification: Uncertain significance for Inborn genetic diseases. Last evaluated: 2025-08-24. Review status: criteria provided, single submitter. Criteria: Ambry Variant Classification Scheme 2023. Collection method: clinical testing. Allele origin: germline.

Labcorp Genetics (formerly Invitae), Labcorp
Classification: Uncertain significance. Last evaluated: 2022-01-13. Review status: criteria provided, single submitter. Criteria: Invitae Variant Classification Sherloc (09022015). Collection method: clinical testing. Allele origin: germline.
Comment: This sequence change replaces proline, which is neutral and non-polar, with leucine, which is neutral and non-polar, at codon 214 of the COQ9 protein (p.Pro214Leu). The frequency data for this variant in the population databases is considered unreliable, as metrics indicate poor data quality at this position in the gnomAD database. This variant has not been reported in the literature in individuals affected with COQ9-related conditions. Algorithms developed to predict the effect of missense changes on protein structure and function are either unavailable or do not agree on the potential impact of this missense change (SIFT: "Deleterious"; PolyPhen-2: "Benign"; Align-GVGD: "Class C0"). In summary, the available evidence is currently insufficient to determine the role of this variant in disease. Therefore, it has been classified as a Variant of Uncertain Significance.

NM_020312.4(COQ9):c.641C>T (p.Pro214Leu)

Gene: COQ9 (coenzyme Q9; plus strand). Cytogenetic location: 16q21.
Variant type: single nucleotide variant.
Coding change: c.641C>T on transcript NM_020312.4 (MANE Select); coding-DNA position 641, C replaced by T.
Protein change: p.Pro214Leu; replaces proline 214 with leucine.
Molecular consequence: missense variant.
Genome position (GRCh38, 1-based): chr16:57,458,280, C>T. VCF-style: chr16-57458280-C-T. GRCh37 (hg19) VCF-style: chr16-57492192-C-T.
Other names: c.641C>T (NM_020312.3); short protein forms P214L.
Identifiers: ClinVar variation 2163209 (VCV002163209.2), dbSNP rs757047791, ClinGen allele CA8076298.
Genomic context (GRCh38, chr16:57,458,280, plus strand): 5'-TTACTCCTCTGCCATTCTCTCTCCAGGCCCTCAGCATCCTCATGCTCCCTCACAACATCC[C>T]GTCCAGCCTGAGCCTGCTCACCAGCATGGTGGATGACATGTGGCATTACGCTGGGGACCA-3'
Protein context (NP_064708.1, residues 204-224): LSILMLPHNI[Pro214Leu]SSLSLLTSMV